The following is an entry in ClinVar:

NM_004415.4(DSP):c.7555C>A (p.Leu2519Met)

Gene: DSP (desmoplakin; plus strand). Cytogenetic location: 6p24.3.
Variant type: single nucleotide variant.
Coding change: c.7555C>A on transcript NM_004415.4 (MANE Select); coding-DNA position 7555, C replaced by A.
Protein change: p.Leu2519Met; replaces leucine 2519 with methionine.
Molecular consequence: missense variant.
Genome position (GRCh38, 1-based): chr6:7,584,817, C>A. VCF-style: chr6-7584817-C-A. GRCh37 (hg19) VCF-style: chr6-7585050-C-A.
Other names: c.5758C>A, p.Leu1920Met (NM_001008844.3); c.6226C>A, p.Leu2076Met (NM_001319034.2); short protein forms L1920M, L2076M, L2519M.
Identifiers: ClinVar variation 1171166 (VCV001171166.3), dbSNP rs779145021, ClinGen allele CA362693269.

ClinVar aggregate classification (germline): Uncertain significance (1 of 4 stars; one submission).

Conditions:
Cardiomyopathy (CMYO). Also called: Cardiomyopathies. Identifiers: Orphanet 167848, MedGen C0878544, MONDO:0004994, HP:0001638. Inheritance: Various modes of inheritance.

Submission:

Color Diagnostics, LLC DBA Color Health
Classification: Uncertain significance for Cardiomyopathy. Last evaluated: 2024-03-06. Review status: criteria provided, single submitter. Criteria: ACMG Guidelines, 2015. Collection method: clinical testing. Allele origin: germline.
Comment: This missense variant replaces leucine with methionine at codon 2519 of the DSP protein. Computational prediction suggests that this variant may not impact protein structure and function (internally defined REVEL score threshold <= 0.5, PMID: 27666373). To our knowledge, functional studies have not been reported for this variant. This variant has not been reported in individuals affected with cardiovascular disorders in the literature. This variant has not been identified in the general population by the Genome Aggregation Database (gnomAD). The available evidence is insufficient to determine the role of this variant in disease conclusively. Therefore, this variant is classified as a Variant of Uncertain Significance.